The following is an entry in ClinVar:

ClinVar aggregate classification (germline): Conflicting classifications of pathogenicity. Review status: criteria provided, conflicting classifications (1 of 4 stars). 4 submissions from 4 submitters: Uncertain significance (2); Likely benign (2). Last evaluated 2025-12-29.

Conditions:
Hereditary cancer-predisposing syndrome. Also called: Neoplastic Syndromes, Hereditary; Tumor predisposition; Hereditary Cancer Syndrome; Hereditary neoplastic syndrome. Identifiers: Orphanet 140162, MedGen C0027672, MeSH D009386, MONDO:0015356.

Submissions (4):

Center for Genomic Medicine, Rigshospitalet, Copenhagen University Hospital
Classification: Likely benign. Last evaluated: 2025-12-29. Review status: criteria provided, single submitter. Criteria: ACMG Guidelines, 2015. Collection method: clinical testing. Allele origin: germline.
Comment: Classification criteria: BP1_strong

Quest Diagnostics Nichols Institute San Juan Capistrano
Classification: Uncertain significance. Last evaluated: 2024-06-07. Review status: criteria provided, single submitter. Criteria: Quest Diagnostics criteria. Collection method: clinical testing. Allele origin: unknown.
Comment: The BRCA1 c.1052A>G (p.Lys351Arg) variant has been reported in the published literature in a region of the BRCA1 gene that is tolerant to missense sequence changes (PMID: 31911673 (2020)). This variant has not been reported in large, multi-ethnic general populations (Genome Aggregation Database). Analysis of this variant using bioinformatics tools for the prediction of the effect of amino acid changes on protein structure and function yielded conflicting predictions that this variant is benign or damaging. Based on the available information, we are unable to determine the clinical significance of this variant.

University of Washington Department of Laboratory Medicine, University of Washington
Classification: Likely benign for Hereditary cancer-predisposing syndrome. Last evaluated: 2023-03-23. Review status: criteria provided, single submitter. Criteria: Dines et al. (Genet Med. 2020). Collection method: curation. Allele origin: germline.
Comment: Missense variant in a coldspot region where missense variants are very unlikely to be pathogenic (PMID:31911673).

BRCA1 coldspot (exon 11 using historical exon numbering). Reclassification based on statistical prior probability

Ambry Genetics
Classification: Uncertain significance for Hereditary cancer-predisposing syndrome. Last evaluated: 2022-07-21. Review status: criteria provided, single submitter. Criteria: Ambry Variant Classification Scheme 2023. Collection method: clinical testing. Allele origin: germline.
Comment: The p.K351R variant (also known as c.1052A>G), located in coding exon 9 of the BRCA1 gene, results from an A to G substitution at nucleotide position 1052. The lysine at codon 351 is replaced by arginine, an amino acid with highly similar properties. This amino acid position is not well conserved in available vertebrate species. In addition, the in silico prediction for this alteration is inconclusive. Since supporting evidence is limited at this time, the clinical significance of this alteration remains unclear.

Literature cited by the submitters: PubMed 31911673 (cited by Quest Diagnostics Nichols Institute San Juan Capistrano).

NM_007294.4(BRCA1):c.1052A>G (p.Lys351Arg)

Gene: BRCA1 (BRCA1 DNA repair associated; minus strand). Cytogenetic location: 17q21.31.
Variant type: single nucleotide variant.
Coding change: c.1052A>G on transcript NM_007294.4 (MANE Select); coding-DNA position 1052, A replaced by G.
Protein change: p.Lys351Arg; replaces lysine 351 with arginine.
Molecular consequence: missense variant. On other transcripts: intron variant (137).
Genome position (GRCh38, 1-based): chr17:43,094,479, T>C on the plus strand (A>G on the coding strand, the complement: BRCA1 is on the minus strand). VCF-style: chr17-43094479-T-C. GRCh37 (hg19) VCF-style: chr17-41246496-T-C.
Other names: c.908A>G, p.Lys303Arg (NM_001407746.1, NM_001407749.1, NM_001407747.1 and 20 more transcripts); c.911A>G, p.Lys304Arg (NM_001407751.1, NM_001407752.1, NM_001407750.1 and 29 more transcripts); c.839A>G, p.Lys280Arg (NM_001407571.1, NM_001407853.1, NM_001407894.1 and 9 more transcripts); c.1052A>G, p.Lys351Arg (NM_001407581.1, NM_001407582.1, NM_001407583.1 and 30 more transcripts); c.1049A>G, p.Lys350Arg (NM_001407587.1, NM_001407590.1, NM_001407591.1 and 22 more transcripts); c.1043A>G, p.Lys348Arg (NM_001407646.1, NM_001407647.1); c.929A>G, p.Lys310Arg (NM_001407648.1, NM_001407664.1, NM_001407665.1 and 19 more transcripts); c.926A>G, p.Lys309Arg (NM_001407649.1, NM_001407670.1, NM_001407671.1 and 11 more transcripts); and 40 more; short protein forms K263R, K325R, K348R, K351R, K183R, K262R, K284R, K310R.
Identifiers: ClinVar variation 1777505 (VCV001777505.7), dbSNP rs765323349, ClinGen allele CA10599956.
Genomic context (GRCh38, chr17:43,094,479, plus strand): 5'-GGAACATCTTCAGTATCTCTAGGATTCTCTGAGCATGGCAGTTTCTGCTTATTCCATTCT[T>C]TTCTCTCACACAGGGGATCAGCATTCAGATCTACCTTTTTTTCTGTGCTGGGAGTCCGCC-3'
Protein context (NP_009225.1, residues 341-361): DLNADPLCER[Lys351Arg]EWNKQKLPCS